The following is an entry in ClinVar:

ClinVar aggregate classification (germline): Uncertain significance (1 of 4 stars; one submission).

Conditions:
Hereditary cancer-predisposing syndrome. Also called: Neoplastic Syndromes, Hereditary; Tumor predisposition; Hereditary neoplastic syndrome; Hereditary Cancer Syndrome. Identifiers: Orphanet 140162, MedGen C0027672, MeSH D009386, MONDO:0015356.
Cardiovascular phenotype. Identifiers: MedGen CN230736.

Submission:

Ambry Genetics
Classification: Uncertain significance for Cardiovascular phenotype; Hereditary cancer-predisposing syndrome. Last evaluated: 2023-01-25. Review status: criteria provided, single submitter. Criteria: Ambry Variant Classification Scheme 2023. Collection method: clinical testing. Allele origin: germline.
Comment: The c.1994_2001+7del15 variant results from a deletion of 15 nucleotides between positions 1994 and 2001+7 and involves the canonical splice donor site after coding exon 17 of the NF1 gene. Alterations that disrupt the canonical splice site are expected to result in aberrant splicing. In silico splice site analysis predicts that this alteration will weaken the native donor site and may result in the creation or strengthening of a novel splice donor site. The resulting transcript is predicted to be in-frame and is not expected to trigger nonsense-mediated mRNAdecay; however, direct evidence is unavailable. The exact functional effect of the altered amino acid sequence is unknown. This nucleotide region is generally well conserved in available vertebrate species. Since supporting evidence is limited at this time, the clinical significance of this alteration remains unclear.

NM_001042492.3(NF1):c.1994_2001+7del

Gene: NF1 (neurofibromin 1; plus strand). Cytogenetic location: 17q11.2.
Variant type: Deletion.
Coding change: c.1994_2001+7del on transcript NM_001042492.3 (MANE Select); coding-DNA position 1994 through 7 bases into the intron after coding-DNA position 2001, 15 bases deleted (CCTCTATGGTCAGCT).
Molecular consequence: splice donor variant.
Genome position (GRCh38, 1-based): chr17:31,225,243-31,225,257, CCTCTATGGTCAGCT deleted; deleting any 15 consecutive bases within chr17:31,225,241-31,225,257 gives the same sequence; the c. name uses the placement nearest the transcript's 3' end. VCF-style (leftmost placement, unchanged base first): chr17-31225240-ACTCCTCTATGGTCAG-A. GRCh37 (hg19) VCF-style: chr17-29552258-ACTCCTCTATGGTCAG-A.
Other names: c.1994_2001+7del15 (NM_000267.3); c.1994_2001+7del (NM_000267.4).
Identifiers: ClinVar variation 2452280 (VCV002452280.2), dbSNP rs2508142980, ClinGen allele CA2580093108.